The following is an entry in ClinVar:

ClinVar aggregate classification (germline): Uncertain significance. Review status: criteria provided, multiple submitters, no conflicts (2 of 4 stars). 2 submissions from 2 submitters: Uncertain significance (2). Last evaluated 2024-07-19.

Conditions:
Lethal congenital glycogen storage disease of heart. Also called: GLYCOGEN STORAGE DISEASE OF HEART; PHOSPHORYLASE KINASE DEFICIENCY OF HEART. Identifiers: Orphanet 439854, MedGen C1849813, MONDO:0009867, OMIM 261740.
Cardiomyopathy (CMYO). Also called: Cardiomyopathies. Identifiers: Orphanet 167848, MedGen C0878544, MONDO:0004994, HP:0001638. Inheritance: Various modes of inheritance.

gnomAD v4.1: 6 of 1,403,882 alleles (0.00043%); highest among the groups gnomAD compares: South Asian, 0.0071%; 1 homozygote.

Submissions (2):

Labcorp Genetics (formerly Invitae), Labcorp
Classification: Uncertain significance for Lethal congenital glycogen storage disease of heart. Last evaluated: 2024-07-19. Review status: criteria provided, single submitter. Criteria: Invitae Variant Classification Sherloc (09022015). Collection method: clinical testing. Allele origin: germline.
Comment: This sequence change replaces alanine, which is neutral and non-polar, with valine, which is neutral and non-polar, at codon 232 of the PRKAG2 protein (p.Ala232Val). The frequency data for this variant in the population databases is considered unreliable, as metrics indicate poor data quality at this position in the gnomAD database. This variant has not been reported in the literature in individuals affected with PRKAG2-related conditions. ClinVar contains an entry for this variant (Variation ID: 626497). Advanced modeling of protein sequence and biophysical properties (such as structural, functional, and spatial information, amino acid conservation, physicochemical variation, residue mobility, and thermodynamic stability) performed at Invitae indicates that this missense variant is not expected to disrupt PRKAG2 protein function with a negative predictive value of 95%. In summary, the available evidence is currently insufficient to determine the role of this variant in disease. Therefore, it has been classified as a Variant of Uncertain Significance.

CHEO Genetics Diagnostic Laboratory, Children's Hospital of Eastern Ontario
Classification: Uncertain significance for Cardiomyopathy. Last evaluated: 2017-04-03. Review status: criteria provided, single submitter. Criteria: ACMG Guidelines, 2015. Collection method: clinical testing. Allele origin: germline. Study: Canadian Open Genetics Repository.

NM_016203.4(PRKAG2):c.695C>T (p.Ala232Val)

Genes: PRKAG2 (protein kinase AMP-activated non-catalytic subunit gamma 2; minus strand), LOC129999660 (ATAC-STARR-seq lymphoblastoid silent region 18823; plus strand). Cytogenetic location: 7q36.1.
Variant type: single nucleotide variant.
Coding change: c.695C>T on transcript NM_016203.4 (MANE Select); coding-DNA position 695, C replaced by T.
Protein change: p.Ala232Val; replaces alanine 232 with valine.
Molecular consequence: missense variant. On other transcripts: 5 prime UTR variant (2).
Genome position (GRCh38, 1-based): chr7:151,632,128, G>A on the plus strand (C>T on the coding strand, the complement: PRKAG2 is on the minus strand). VCF-style: chr7-151632128-G-A. GRCh37 (hg19) VCF-style: chr7-151329214-G-A.
Other names: c.-29C>T (NM_001304531.2, NM_024429.2); c.323C>T, p.Ala108Val (NM_001363698.2, NM_001304527.2); c.563C>T, p.Ala188Val (NM_001040633.2); short protein forms A232V, A108V, A188V.
Identifiers: ClinVar variation 626497 (VCV000626497.5), dbSNP rs1338523761, ClinGen allele CA370071363.